The following is an entry in ClinVar:

ClinVar aggregate classification (germline): Uncertain significance (1 of 4 stars; one submission).

Allele frequency attached by ClinVar (database versions not stated): gnomAD 0.00003; TOPMed 0.00003; ExAC 0.00007; ESP Exome Variant Server 0.00015.
gnomAD v4.1: 55 of 1,613,488 alleles (0.0034%); highest among the groups gnomAD compares: Non-Finnish European, 0.0044%; no homozygotes.

Submission:

Labcorp Genetics (formerly Invitae), Labcorp
Classification: Uncertain significance. Last evaluated: 2026-01-21. Review status: criteria provided, single submitter. Criteria: Invitae Variant Classification Sherloc (09022015). Collection method: clinical testing. Allele origin: germline.
Comment: This sequence change replaces arginine, which is basic and polar, with glycine, which is neutral and non-polar, at codon 7 of the DSG1 protein (p.Arg7Gly). This variant is present in population databases (rs150439970, gnomAD 0.01%). This variant has not been reported in the literature in individuals affected with DSG1-related conditions. ClinVar contains an entry for this variant (Variation ID: 2194463). Invitae Evidence Modeling of protein sequence and biophysical properties (such as structural, functional, and spatial information, amino acid conservation, physicochemical variation, residue mobility, and thermodynamic stability) indicates that this missense variant is not expected to disrupt DSG1 protein function with a negative predictive value of 80%. In summary, the available evidence is currently insufficient to determine the role of this variant in disease. Therefore, it has been classified as a Variant of Uncertain Significance.

NM_001942.4(DSG1):c.19A>G (p.Arg7Gly)

Gene: DSG1 (desmoglein 1; plus strand). Cytogenetic location: 18q12.1.
Variant type: single nucleotide variant.
Coding change: c.19A>G on transcript NM_001942.4 (MANE Select); coding-DNA position 19, A replaced by G.
Protein change: p.Arg7Gly; replaces arginine 7 with glycine.
Molecular consequence: missense variant.
Genome position (GRCh38, 1-based): chr18:31,318,319, A>G. VCF-style: chr18-31318319-A-G. GRCh37 (hg19) VCF-style: chr18-28898282-A-G.
Other names: short protein forms R7G.
Identifiers: ClinVar variation 2194463 (VCV002194463.4), dbSNP rs150439970, ClinGen allele CA8925722.